The following is an entry in ClinVar:

ClinVar aggregate classification (germline): Likely benign. Review status: criteria provided, multiple submitters, no conflicts (2 of 4 stars). 6 submissions from 6 submitters: Likely benign (6). Last evaluated 2025-12-18.

Conditions:
Colorectal cancer, susceptibility to, 12 (CRCS12). Also called: COLORECTAL CANCER, SUSCEPTIBILITY TO, ON CHROMOSOME 12q24. Identifiers: Orphanet 220460, MedGen C3554460, MONDO:0014038, OMIM 615083.
Facial dysmorphism-immunodeficiency-livedo-short stature syndrome. Also called: FILS syndrome; Facial dysmorphism, immunodeficiency, livedo, and short stature. Identifiers: Orphanet 352712, MedGen C3554576, MONDO:0014058, OMIM 615139.
Intrauterine growth retardation, metaphyseal dysplasia, adrenal hypoplasia congenita, genital anomalies, and immunodeficiency. Also called: IMAGEI SYNDROME. Identifiers: MedGen C5193036, MONDO:0032684, OMIM 618336.
Hereditary cancer-predisposing syndrome. Also called: Tumor predisposition; Hereditary neoplastic syndrome; Hereditary Cancer Syndrome; Neoplastic Syndromes, Hereditary. Identifiers: Orphanet 140162, MedGen C0027672, MeSH D009386, MONDO:0015356.

Allele frequency attached by ClinVar (database versions not stated): gnomAD 0.00001 and 0.00003; gnomAD exomes 0.00001 and 0.00004; ExAC 0.00002; TOPMed 0.00004.
gnomAD v4.1: 21 of 1,613,630 alleles (0.0013%); highest among the groups gnomAD compares: Admixed American, 0.023%; no homozygotes.

Submissions (6):

Labcorp Genetics (formerly Invitae), Labcorp
Classification: Likely benign. Last evaluated: 2025-12-18. Review status: criteria provided, single submitter. Criteria: Invitae Variant Classification Sherloc (09022015). Collection method: clinical testing. Allele origin: germline.

CeGaT Center for Human Genetics Tuebingen
Classification: Likely benign. Last evaluated: 2024-07-01. Review status: criteria provided, single submitter. Criteria: CeGaT Center For Human Genetics Tuebingen Variant Classification Criteria Version 2. Collection method: clinical testing. Allele origin: germline. Affected: yes. Observed: 1 variant allele.
Comment: POLE: BP4, BP7

Fulgent Genetics
Classification: Likely benign for Colorectal cancer, susceptibility to, 12; Facial dysmorphism-immunodeficiency-livedo-short stature syndrome; Intrauterine growth retardation, metaphyseal dysplasia, adrenal hypoplasia congenita, genital anomalies, and immunodeficiency. Last evaluated: 2021-10-14. Review status: criteria provided, single submitter. Criteria: ACMG Guidelines, 2015. Collection method: clinical testing. Allele origin: unknown.

GeneDx
Classification: Likely benign. Last evaluated: 2020-12-08. Review status: criteria provided, single submitter. Criteria: GeneDx Variant Classification Process June 2021. Collection method: clinical testing. Allele origin: germline. Affected: yes.

Mendelics
Classification: Likely benign for Colorectal cancer, susceptibility to, 12. Last evaluated: 2019-05-28. Review status: criteria provided, single submitter. Criteria: Mendelics Assertion Criteria 2017. Collection method: clinical testing. Allele origin: unknown.

Ambry Genetics
Classification: Likely benign for Hereditary cancer-predisposing syndrome. Last evaluated: 2015-09-15. Review status: criteria provided, single submitter. Criteria: Ambry Variant Classification Scheme 2023. Collection method: clinical testing. Allele origin: germline.

NM_006231.4(POLE):c.3228C>T (p.Cys1076=)

Gene: POLE (DNA polymerase epsilon, catalytic subunit; minus strand). Cytogenetic location: 12q24.33.
Variant type: single nucleotide variant.
Coding change: c.3228C>T on transcript NM_006231.4 (MANE Select); coding-DNA position 3228, C replaced by T.
Protein change: p.Cys1076=; no amino-acid change (cysteine 1076 retained).
Molecular consequence: synonymous variant.
Genome position (GRCh38, 1-based): chr12:132,659,342, G>A on the plus strand (C>T on the coding strand, the complement: POLE is on the minus strand). VCF-style: chr12-132659342-G-A. GRCh37 (hg19) VCF-style: chr12-133235928-G-A.
Identifiers: ClinVar variation 413565 (VCV000413565.37), dbSNP rs767929667, ClinGen allele CA6893337.